The following is an entry in ClinVar:

ClinVar aggregate classification (germline): Likely benign. Review status: criteria provided, multiple submitters, no conflicts (2 of 4 stars). 2 submissions from 2 submitters: Likely benign (2). Last evaluated 2025-08-03.

Conditions:
Fanconi anemia complementation group J. Also called: BRIP1-Related Fanconi Anemia. Identifiers: Orphanet 84, MedGen C1836860, MONDO:0012187, OMIM 609054.
Familial cancer of breast. Also called: hereditary breast carcinoma; BREAST CANCER, FAMILIAL; Hereditary breast cancer. Identifiers: Orphanet 227535, MedGen C0346153, MONDO:0016419, OMIM 114480. Disease mechanism: loss of function.

Submissions (2):

Labcorp Genetics (formerly Invitae), Labcorp
Classification: Likely benign for Familial cancer of breast; Fanconi anemia complementation group J. Last evaluated: 2025-08-03. Review status: criteria provided, single submitter. Criteria: Invitae Variant Classification Sherloc (09022015). Collection method: clinical testing. Allele origin: germline.

Myriad Genetics, Inc.
Classification: Likely benign for Familial cancer of breast. Last evaluated: 2024-08-29. Review status: criteria provided, single submitter. Criteria: Myriad Autosomal Dominant, Autosomal Recessive and X-Linked Classification Criteria (2023). Collection method: clinical testing. Allele origin: unknown.
Comment: This variant is considered likely benign. This variant is intronic and is not expected to impact mRNA splicing.

NM_032043.3(BRIP1):c.1794+8C>G

Gene: BRIP1 (BRCA1 interacting DNA helicase 1; minus strand). Cytogenetic location: 17q23.2.
Variant type: single nucleotide variant.
Coding change: c.1794+8C>G on transcript NM_032043.3 (MANE Select); 8 bases into the intron after coding-DNA position 1794, C replaced by G.
Molecular consequence: intron variant.
Genome position (GRCh38, 1-based): chr17:61,780,832, G>C on the plus strand (C>G on the coding strand, the complement: BRIP1 is on the minus strand). VCF-style: chr17-61780832-G-C. GRCh37 (hg19) VCF-style: chr17-59858193-G-C.
Identifiers: ClinVar variation 3378949 (VCV003378949.2).